The following is an entry in ClinVar:

NM_000260.4(MYO7A):c.2522T>C (p.Leu841Pro)

Gene: MYO7A (myosin VIIA; plus strand). Cytogenetic location: 11q13.5.
Variant type: single nucleotide variant.
Coding change: c.2522T>C on transcript NM_000260.4 (MANE Select); coding-DNA position 2522, T replaced by C.
Protein change: p.Leu841Pro; replaces leucine 841 with proline.
Molecular consequence: missense variant.
Genome position (GRCh38, 1-based): chr11:77,179,889, T>C. VCF-style: chr11-77179889-T-C. GRCh37 (hg19) VCF-style: chr11-76890935-T-C.
Other names: c.2522T>C, p.Leu841Pro (NM_001127180.2); c.2489T>C, p.Leu830Pro (NM_001369365.1); short protein forms L841P, L830P.
Identifiers: ClinVar variation 43184 (VCV000043184.9), dbSNP rs397516296, ClinGen allele CA132251.
Genomic context (GRCh38, chr11:77,179,889, plus strand): 5'-AGGCCCGCTGCCGCGCCTATCTGGTGCGCAAGGCCTTCCGCCACCGCCTCTGGGCTGTGC[T>C]CACCGTGCAGGCCTATGCCCGGGGCATGATCGCCCGCAGGCTGCACCAACGCCTCAGGGC-3'
Protein context (NP_000251.3, residues 831-851): KAFRHRLWAV[Leu841Pro]TVQAYARGMI

ClinVar aggregate classification (germline): Uncertain significance. Review status: criteria provided, multiple submitters, no conflicts (2 of 4 stars). 5 submissions from 5 submitters: Uncertain significance (3). 2 of the submissions do not count toward it. Last evaluated 2025-12-28.

Conditions:
Usher syndrome type 1 (USH1). Also called: RETINITIS PIGMENTOSA AND CONGENITAL DEAFNESS. Identifiers: Orphanet 231169, Orphanet 886, MedGen C1568247, MONDO:0010168, OMIM 276900.
Autosomal recessive nonsyndromic hearing loss 2. Also called: DEAFNESS, AUTOSOMAL RECESSIVE 2; NEUROSENSORY NONSYNDROMIC RECESSIVE DEAFNESS 2. Identifiers: Orphanet 90636, MedGen C1838701, MONDO:0010807, OMIM 600060.
Inborn genetic diseases. Identifiers: MedGen C0950123, MeSH D030342.
Usher syndrome type 1B (USH1B). Also called: Usher syndrome type IB. Identifiers: MedGen C1848638, MONDO:0700087.

Submissions (5):

Labcorp Genetics (formerly Invitae), Labcorp
Classification: Uncertain significance. Last evaluated: 2025-12-28. Review status: criteria provided, single submitter. Criteria: Invitae Variant Classification Sherloc (09022015). Collection method: clinical testing. Allele origin: germline.
Comment: This sequence change replaces leucine, which is neutral and non-polar, with proline, which is neutral and non-polar, at codon 841 of the MYO7A protein (p.Leu841Pro). This variant is not present in population databases (gnomAD no frequency). This variant has not been reported in the literature in individuals affected with MYO7A-related conditions. ClinVar contains an entry for this variant (Variation ID: 43184). Invitae Evidence Modeling of protein sequence and biophysical properties (such as structural, functional, and spatial information, amino acid conservation, physicochemical variation, residue mobility, and thermodynamic stability) has been performed for this missense variant. However, the output from this modeling did not meet the statistical confidence thresholds required to predict the impact of this variant on MYO7A protein function. In summary, the available evidence is currently insufficient to determine the role of this variant in disease. Therefore, it has been classified as a Variant of Uncertain Significance.

Ambry Genetics
Classification: Uncertain significance for Inborn genetic diseases. Last evaluated: 2025-08-31. Review status: criteria provided, single submitter. Criteria: Ambry Variant Classification Scheme 2023. Collection method: clinical testing. Allele origin: germline.

Laboratory for Molecular Medicine, Mass General Brigham Personalized Medicine
Classification: Uncertain significance. Last evaluated: 2011-04-15. Review status: criteria provided, single submitter. Criteria: LMM Criteria. Collection method: clinical testing. Allele origin: germline. Observed: 1 variant allele.
Comment: The Leu841Pro variant in MYO7A has not been reported in the literature nor previ ously identified by our laboratory. Computational analyses (biochemical amino ac id properties, homology, PolyPhen2, SIFT, AlignGVGD) do not provide strong suppo rt for or against pathogenicity. In summary, the clinical significance of this v ariant cannot be determined with certainty at this time.

Natera, Inc.
Classification: Uncertain significance for Usher syndrome type 1B. Last evaluated: 2020-09-16. Review status: no assertion criteria provided. Collection method: clinical testing. Allele origin: germline. Not counted in ClinVar's aggregate classification.

Counsyl
Classification: Uncertain significance for Usher syndrome type 1; Autosomal recessive nonsyndromic hearing loss 2. Last evaluated: 2017-07-19. Review status: no assertion criteria provided. Collection method: clinical testing. Allele origin: unknown. Not counted in ClinVar's aggregate classification.